The following is an entry in ClinVar:

NM_018714.3(COG1):c.1712G>A (p.Arg571Gln)

Gene: COG1 (component of oligomeric golgi complex 1; plus strand). Cytogenetic location: 17q25.1.
Variant type: single nucleotide variant.
Coding change: c.1712G>A on transcript NM_018714.3 (MANE Select); coding-DNA position 1712, G replaced by A.
Protein change: p.Arg571Gln; replaces arginine 571 with glutamine.
Molecular consequence: missense variant.
Genome position (GRCh38, 1-based): chr17:73,201,539, G>A. VCF-style: chr17-73201539-G-A. GRCh37 (hg19) VCF-style: chr17-71197678-G-A.
Other names: short protein forms R571Q.
Identifiers: ClinVar variation 252724 (VCV000252724.44), dbSNP rs141750466, ClinGen allele CA8740271.

ClinVar aggregate classification (germline): Conflicting classifications of pathogenicity. Review status: criteria provided, conflicting classifications (1 of 4 stars). 6 submissions from 6 submitters: Uncertain significance (1); Benign (2); Likely benign (2). 1 of the submissions does not count toward it. Last evaluated 2026-04-01.

Conditions:
COG1-related disorder. Also called: COG1-related condition.
COG1 congenital disorder of glycosylation (CDG2G). Also called: CONGENITAL DISORDER OF GLYCOSYLATION, TYPE IIg; CDG IIg; CDGII/COG1 CEREBROCOSTOMANDIBULAR-LIKE SYNDROME. Identifiers: Orphanet 263508, MedGen C2931011, MONDO:0012637, OMIM 611209.

Allele frequency attached by ClinVar (database versions not stated): 1000 Genomes Project 30x 0.00047; 1000 Genomes Project 0.00060; TOPMed 0.00190; ESP Exome Variant Server 0.00315; gnomAD 0.00374 and 0.00398; gnomAD exomes 0.00379; ExAC 0.00401.
gnomAD v4.1: 4,658 of 1,614,234 alleles (0.29%); highest among the groups gnomAD compares: Non-Finnish European, 0.27%; 40 homozygotes.

Submissions (6):

CeGaT Center for Human Genetics Tuebingen
Classification: Likely benign. Last evaluated: 2026-04-01. Review status: criteria provided, single submitter. Criteria: CeGaT Center For Human Genetics Tuebingen Variant Classification Criteria Version 2. Collection method: clinical testing. Allele origin: germline. Affected: yes. Observed: 9 variant alleles.
Comment: COG1: BP4, BS2

Labcorp Genetics (formerly Invitae), Labcorp
Classification: Benign for COG1 congenital disorder of glycosylation. Last evaluated: 2026-01-26. Review status: criteria provided, single submitter. Criteria: Invitae Variant Classification Sherloc (09022015). Collection method: clinical testing. Allele origin: germline.

Illumina Laboratory Services, Illumina
Classification: Uncertain significance for COG1 congenital disorder of glycosylation. Last evaluated: 2018-01-13. Review status: criteria provided, single submitter. Criteria: ICSL Variant Classification Criteria 13 December 2019. Collection method: clinical testing. Allele origin: germline.

Center for Pediatric Genomic Medicine, Children's Mercy Hospital and Clinics
Classification: Likely benign. Last evaluated: 2016-09-15. Review status: criteria provided, single submitter. Criteria: ACMG Guidelines, 2015. Collection method: clinical testing. Allele origin: germline.
ClinVar note: Converted during submission from Likely Benign to Likely benign.

Genomic Diagnostic Laboratory, Division of Genomic Diagnostics, Children's Hospital of Philadelphia
Classification: Benign. Last evaluated: 2015-11-16. Review status: criteria provided, single submitter. Criteria: DGD Variant Analysis Guidelines. Collection method: clinical testing. Allele origin: unknown.

PreventionGenetics, part of Exact Sciences
Classification: Benign for COG1-related condition. Last evaluated: 2019-08-05. Review status: no assertion criteria provided. Collection method: clinical testing. Allele origin: germline. Not counted in ClinVar's aggregate classification.
Comment: This variant is classified as benign based on ACMG/AMP sequence variant interpretation guidelines (Richards et al. 2015 PMID: 25741868, with internal and published modifications).